The following is an entry in ClinVar:

NM_033004.4(NLRP1):c.308C>T (p.Pro103Leu)

Gene: NLRP1 (NLR family pyrin domain containing 1; minus strand). Cytogenetic location: 17p13.2.
Variant type: single nucleotide variant.
Coding change: c.308C>T on transcript NM_033004.4 (MANE Select); coding-DNA position 308, C replaced by T.
Protein change: p.Pro103Leu; replaces proline 103 with leucine.
Molecular consequence: missense variant.
Genome position (GRCh38, 1-based): chr17:5,582,810, G>A on the plus strand (C>T on the coding strand, the complement: NLRP1 is on the minus strand). VCF-style: chr17-5582810-G-A. GRCh37 (hg19) VCF-style: chr17-5486130-G-A.
Other names: c.308C>T, p.Pro103Leu (NM_001033053.3, NM_014922.5, NM_033006.4 and 1 more transcripts); short protein forms P103L.
Identifiers: ClinVar variation 1719194 (VCV001719194.5), dbSNP rs1247446949, ClinGen allele CA397390244.

ClinVar aggregate classification (germline): Uncertain significance (1 of 4 stars; one submission).

Submission:

Labcorp Genetics (formerly Invitae), Labcorp
Classification: Uncertain significance. Last evaluated: 2022-10-18. Review status: criteria provided, single submitter. Criteria: Invitae Variant Classification Sherloc (09022015). Collection method: clinical testing. Allele origin: germline.
Comment: In summary, the available evidence is currently insufficient to determine the role of this variant in disease. Therefore, it has been classified as a Variant of Uncertain Significance. Algorithms developed to predict the effect of missense changes on protein structure and function are either unavailable or do not agree on the potential impact of this missense change (SIFT: "Deleterious"; PolyPhen-2: "Probably Damaging"; Align-GVGD: "Class C0"). This variant has not been reported in the literature in individuals affected with NLRP1-related conditions. This variant is not present in population databases (gnomAD no frequency). This sequence change replaces proline, which is neutral and non-polar, with leucine, which is neutral and non-polar, at codon 103 of the NLRP1 protein (p.Pro103Leu).